The following is an entry in ClinVar:

NM_000157.4(GBA1):c.155C>T (p.Ser52Leu)

Genes: GBA1 (glucosylceramidase beta 1; minus strand), LOC106627981 (GBA recombination region; plus strand). Cytogenetic location: 1q22.
Variant type: single nucleotide variant.
Coding change: c.155C>T on transcript NM_000157.4 (MANE Select); coding-DNA position 155, C replaced by T.
Protein change: p.Ser52Leu; replaces serine 52 with leucine.
Molecular consequence: missense variant. On other transcripts: 5 prime UTR variant (1).
Genome position (GRCh38, 1-based): chr1:155,240,038, G>A on the plus strand (C>T on the coding strand, the complement: GBA1 is on the minus strand). VCF-style: chr1-155240038-G-A. GRCh37 (hg19) VCF-style: chr1-155209829-G-A.
Other names: c.155C>T (NM_001005741.2, NM_000157.3); c.155C>T, p.Ser52Leu (NM_001005741.3, NM_001005742.3, NM_001171812.2); c.-107C>T (NM_001171811.2); short protein forms S52L.
Identifiers: ClinVar variation 3383197 (VCV003383197.5).

ClinVar aggregate classification (germline): Conflicting classifications of pathogenicity. Review status: criteria provided, conflicting classifications (1 of 4 stars). 4 submissions from 4 submitters: Pathogenic (1); Likely pathogenic (1); Uncertain significance (2). Last evaluated 2026-02-02.

Conditions:
GBA1-related disorder. Also called: GBA1-related condition.
Gaucher disease. Also called: Acute cerebral Gaucher disease; Cerebroside lipidosis syndrome; Gaucher splenomegaly; Sphingolipidosis 1; Glucocerebrosidosis; Glucosylceramidase deficiency. Identifiers: Orphanet 355, MedGen C0017205, MONDO:0018150.
Gaucher disease type I (GD1). Also called: Type 1 Gaucher Disease; GD 1; ACID BETA-GLUCOSIDASE DEFICIENCY; GAUCHER DISEASE, NONCEREBRAL JUVENILE; GBA DEFICIENCY; GD I. Identifiers: Orphanet 355, Orphanet 77259, MedGen C1961835, MONDO:0009265, OMIM 230800.

Submissions (4):

PreventionGenetics, part of Exact Sciences
Classification: Likely pathogenic for GBA1-related condition. Last evaluated: 2026-02-02. Review status: criteria provided, single submitter. Criteria: ACMG Guidelines, 2015. Collection method: clinical testing. Allele origin: germline.
Comment: The GBA1 c.155C>T variant is predicted to result in the amino acid substitution p.Ser52Leu. This variant, also described as p.Ser13Leu using legacy nomenclature, has been reported in the compound heterozygous state with a second GBA1 variant in multiple individuals with childhood- and adult-onset Gaucher disease (Böttcher et al. 2013. PubMed ID: 23811968; Huang et al. 2020. PubMed ID: 32165122; Table S4, Barbosa-Gouveia et al. 2021. PubMed ID: 34440436; Zhang et al. 2024. PubMed ID: 38527843). This variant was also observed in a Gaucher disease cohort and was classified as mild variant associated with non-neurological symptoms (Table 2, Serrano-Gonzalo et al. 2025. PubMed ID: 41155380). Analysis of dried blood spots from two affected individuals with p.Ser52Leu showed reduced glucocerebrosidase activity relative to normal controls (Huang et al. 2020. PubMed ID: 32165122; Zhang et al. 2024. PubMed ID: 38527843). This variant is reported in 0.00088% of alleles in individuals of European (non-Finnish) descent in gnomAD. Taken together, this variant is interpreted as likely pathogenic.

Natera, Inc.
Classification: Pathogenic for Gaucher disease. Last evaluated: 2025-11-25. Review status: criteria provided, single submitter. Criteria: Natera Variant Classification Schema (03/2026). Collection method: clinical testing. Allele origin: germline.
Comment: The c.155C>T variant in GBA1 is a missense variant predicted to cause substitution of serine to leucine at amino acid 52. This variant is rare in the general population with a frequency below the threshold expected for the associated phenotype(s). This variant has been observed in one or more individuals affected with the associated recessive disease, as either homozygous or compound heterozygous with a second variant (PMID: 38527843, 34440436, 34134921, 32165122). Computational prediction algorithms indicate this variant is likely to affect gene or protein function. Given the available evidence, this variant is classified as Pathogenic.

Blueprint Genetics
Classification: Uncertain significance. Last evaluated: 2019-03-27. Review status: criteria provided, single submitter. Criteria: ACMG Guidelines, 2015. Collection method: clinical testing. Allele origin: germline.

Juno Genomics, Hangzhou Juno Genomics, Inc
Classification: Uncertain significance for Gaucher disease type I. Review status: criteria provided, single submitter. Criteria: ACMG Guidelines, 2015. Collection method: clinical testing. Allele origin: germline. Affected: yes.
Comment: Absent from controls (or at extremely low frequency if recessive) in Genome Aggregation Database, Exome Sequencing Project, 1000 Genomes Project, or Exome Aggregation Consortium.;For recessive disorders, detected in trans with a pathogenic variant.;Patient's phenotype or family history is highly specific for a disease with a single genetic etiology.

Literature cited by the submitters: PubMed 38527843 (cited by Natera, Inc.); PubMed 34440436 (cited by Natera, Inc.); PubMed 34134921 (cited by Natera, Inc.); PubMed 32165122 (cited by Natera, Inc.).